The following is an entry in ClinVar:

ClinVar aggregate classification (germline): Likely benign. Review status: criteria provided, multiple submitters, no conflicts (2 of 4 stars). 4 submissions from 4 submitters: Likely benign (4). Last evaluated 2025-12-14.

Conditions:
Hereditary cancer-predisposing syndrome. Also called: Neoplastic Syndromes, Hereditary; Hereditary neoplastic syndrome; Hereditary Cancer Syndrome; Tumor predisposition. Identifiers: Orphanet 140162, MedGen C0027672, MeSH D009386, MONDO:0015356.
POLD1-related polyposis and colorectal cancer syndrome (CRCS10). Also called: Colorectal cancer, susceptibility to, 10; Colorectal cancer 10; COLORECTAL CANCER, SUSCEPTIBILITY TO, ON CHROMOSOME 19q. Identifiers: Orphanet 220460, MedGen C2675481, MONDO:0012953, OMIM 612591.

Allele frequency attached by ClinVar (database versions not stated): gnomAD 0.00001; gnomAD exomes 0.00001.
gnomAD v4.1: 22 of 1,612,618 alleles (0.0014%); highest among the groups gnomAD compares: South Asian, 0.0022%; no homozygotes.

Submissions (4):

Labcorp Genetics (formerly Invitae), Labcorp
Classification: Likely benign for POLD1-related polyposis and colorectal cancer syndrome. Last evaluated: 2025-12-14. Review status: criteria provided, single submitter. Criteria: Invitae Variant Classification Sherloc (09022015). Collection method: clinical testing. Allele origin: germline.

Blueprint Genetics
Classification: Likely benign. Last evaluated: 2023-07-03. Review status: criteria provided, single submitter. Criteria: ACMG Guidelines, 2015. Collection method: clinical testing. Allele origin: germline.

GeneDx
Classification: Likely benign. Last evaluated: 2016-08-24. Review status: criteria provided, single submitter. Criteria: GeneDx Variant Classification (06012015). Collection method: clinical testing. Allele origin: germline. Affected: yes.
Comment: This variant is considered likely benign or benign based on one or more of the following criteria: it is a conservative change, it occurs at a poorly conserved position in the protein, it is predicted to be benign by multiple in silico algorithms, and/or has population frequency not consistent with disease.

Ambry Genetics
Classification: Likely benign for Hereditary cancer-predisposing syndrome. Last evaluated: 2015-10-16. Review status: criteria provided, single submitter. Criteria: Ambry Variant Classification Scheme 2023. Collection method: clinical testing. Allele origin: germline.

NM_002691.4(POLD1):c.2676C>T (p.Ser892=)

Gene: POLD1 (DNA polymerase delta 1, catalytic subunit; plus strand). Cytogenetic location: 19q13.33.
Variant type: single nucleotide variant.
Coding change: c.2676C>T on transcript NM_002691.4 (MANE Select); coding-DNA position 2676, C replaced by T.
Protein change: p.Ser892=; no amino-acid change (serine 892 retained).
Molecular consequence: synonymous variant. On other transcripts: non-coding transcript variant (1).
Genome position (GRCh38, 1-based): chr19:50,415,549, C>T. VCF-style: chr19-50415549-C-T. GRCh37 (hg19) VCF-style: chr19-50918806-C-T.
Other names: c.2676C>T, p.Ser892= (NM_001256849.1); c.2754C>T, p.Ser918= (NM_001308632.1).
Identifiers: ClinVar variation 388815 (VCV000388815.17), dbSNP rs1057523239, ClinGen allele CA16607932.